The following is an entry in ClinVar:

NM_001098426.2(SMARCD2):c.572del (p.Lys191fs)

Gene: SMARCD2 (SWI/SNF related BAF chromatin remodeling complex subunit D2; minus strand). Cytogenetic location: 17q23.3.
Variant type: Deletion.
Coding change: c.572del on transcript NM_001098426.2 (MANE Select); coding-DNA position 572, one base deleted (A; older notation c.572delA).
Protein change: p.Lys191fs; shifts the reading frame from lysine 191.
Molecular consequence: frameshift variant.
Genome position (GRCh38, 1-based): chr17:63,835,563, T deleted on the plus strand (A on the coding strand, the reverse complement: SMARCD2 is on the minus strand); the first of 4 consecutive T bases (chr17:63,835,563-63,835,566); deleting any one gives the same sequence. VCF-style (leftmost placement, unchanged base first): chr17-63835562-CT-C. GRCh37 (hg19) VCF-style: chr17-61912922-CT-C.
Other names: c.347del, p.Lys116fs (NM_001330439.1); c.428del, p.Lys143fs (NM_001330440.2); short protein forms K191fs, K143fs, K116fs.
Identifiers: ClinVar variation 2843787 (VCV002843787.3), dbSNP rs2511442438, ClinGen allele CA2639300427.
Genomic context (GRCh38, chr17:63,835,562, plus strand): 5'-ACTATCGCCTTCCGCCTTGCTGGGACTGAACGTATTGGAAATGTAGATCCGAAGCTTTCG[CT>C]TTTGCTAAAGAGAGAAAGGCAATCACAACTGGAGGTGGACCAAGATGCTGGGACACAGTG-3'

ClinVar aggregate classification (germline): Pathogenic (1 of 4 stars; one submission).

Submission:

Labcorp Genetics (formerly Invitae), Labcorp
Classification: Pathogenic. Last evaluated: 2023-03-08. Review status: criteria provided, single submitter. Criteria: Invitae Variant Classification Sherloc (09022015). Collection method: clinical testing. Allele origin: germline.
Comment: This variant has not been reported in the literature in individuals affected with SMARCD2-related conditions. For these reasons, this variant has been classified as Pathogenic. This variant is not present in population databases (gnomAD no frequency). This sequence change creates a premature translational stop signal (p.Lys191Serfs*98) in the SMARCD2 gene. It is expected to result in an absent or disrupted protein product. Loss-of-function variants in SMARCD2 are known to be pathogenic (PMID: 28369036).

Literature cited by the submitters: PubMed 28369036.